The following is an entry in ClinVar:

NM_001375524.1(TRRAP):c.10216T>A (p.Phe3406Ile)

Gene: TRRAP (transformation/transcription domain associated protein; plus strand). Cytogenetic location: 7q22.1.
Variant type: single nucleotide variant.
Coding change: c.10216T>A on transcript NM_001375524.1 (MANE Select); coding-DNA position 10216, T replaced by A.
Protein change: p.Phe3406Ile; replaces phenylalanine 3406 with isoleucine.
Molecular consequence: missense variant.
Genome position (GRCh38, 1-based): chr7:98,994,755, T>A. VCF-style: chr7-98994755-T-A. GRCh37 (hg19) VCF-style: chr7-98592378-T-A.
Other names: c.10174T>A, p.Phe3392Ile (NM_001244580.2); c.10087T>A, p.Phe3363Ile (NM_003496.4); short protein forms F3363I, F3392I, F3406I.
Identifiers: ClinVar variation 2504418 (VCV002504418.1), dbSNP rs2485015008, ClinGen allele CA368332836.

ClinVar aggregate classification (germline): Uncertain significance (1 of 4 stars; one submission).

Submission:

GeneDx
Classification: Uncertain significance. Last evaluated: 2022-12-03. Review status: criteria provided, single submitter. Criteria: GeneDx Variant Classification Process June 2021. Collection method: clinical testing. Allele origin: germline. Affected: yes.
Comment: Not observed at significant frequency in large population cohorts (gnomAD); In silico analysis supports that this missense variant has a deleterious effect on protein structure/function; Has not been previously published as pathogenic or benign to our knowledge